The following is an entry in ClinVar:

NM_000094.4(COL7A1):c.3432C>T (p.Tyr1144=)

Gene: COL7A1 (collagen type VII alpha 1 chain; minus strand). Cytogenetic location: 3p21.31.
Variant type: single nucleotide variant.
Coding change: c.3432C>T on transcript NM_000094.4 (MANE Select); coding-DNA position 3432, C replaced by T.
Protein change: p.Tyr1144=; no amino-acid change (tyrosine 1144 retained).
Molecular consequence: synonymous variant.
Genome position (GRCh38, 1-based): chr3:48,586,450, G>A on the plus strand (C>T on the coding strand, the complement: COL7A1 is on the minus strand). VCF-style: chr3-48586450-G-A. GRCh37 (hg19) VCF-style: chr3-48623883-G-A.
Identifiers: ClinVar variation 797934 (VCV000797934.34), dbSNP rs199679633, ClinGen allele CA2380521.

ClinVar aggregate classification (germline): Likely benign. Review status: criteria provided, multiple submitters, no conflicts (2 of 4 stars). 3 submissions from 3 submitters: Likely benign (2). 1 of the submissions does not count toward it. Last evaluated 2026-01-26.

Conditions:
Epidermolysis bullosa dystrophica. Also called: Dystrophic epidermolysis bullosa, Hallopeau-Siemens type (formerly); Dystrophic epidermolysis bullosa. Identifiers: Orphanet 303, MedGen C0079294, MONDO:0006543.

Allele frequency attached by ClinVar (database versions not stated): ExAC 0.00002; gnomAD exomes 0.00005 and 0.00012; gnomAD 0.00009; TOPMed 0.00009; 1000 Genomes Project 30x 0.00016; 1000 Genomes Project 0.00020.
gnomAD v4.1: 183 of 1,613,826 alleles (0.011%); highest among the groups gnomAD compares: Non-Finnish European, 0.015%; no homozygotes.

Submissions (3):

Labcorp Genetics (formerly Invitae), Labcorp
Classification: Likely benign. Last evaluated: 2026-01-26. Review status: criteria provided, single submitter. Criteria: Invitae Variant Classification Sherloc (09022015). Collection method: clinical testing. Allele origin: germline.

CeGaT Center for Human Genetics Tuebingen
Classification: Likely benign. Last evaluated: 2023-03-01. Review status: criteria provided, single submitter. Criteria: CeGaT Center For Human Genetics Tuebingen Variant Classification Criteria Version 2. Collection method: clinical testing. Allele origin: germline. Affected: yes. Observed: 1 variant allele.
Comment: COL7A1: BP4, BP7

Natera, Inc.
Classification: Likely benign for Dystrophic epidermolysis bullosa. Last evaluated: 2020-04-07. Review status: no assertion criteria provided. Collection method: clinical testing. Allele origin: germline. Not counted in ClinVar's aggregate classification.